The following is an entry in ClinVar:

ClinVar aggregate classification (germline): Uncertain significance. Review status: criteria provided, multiple submitters, no conflicts (2 of 4 stars). 4 submissions from 4 submitters: Uncertain significance (4). Last evaluated 2025-08-04.

Conditions:
Hereditary cancer-predisposing syndrome. Also called: Neoplastic Syndromes, Hereditary; Tumor predisposition; Hereditary neoplastic syndrome; Hereditary Cancer Syndrome. Identifiers: Orphanet 140162, MedGen C0027672, MeSH D009386, MONDO:0015356.
Familial adenomatous polyposis 1 (FAP1). Also called: POLYPOSIS, ADENOMATOUS INTESTINAL; FAMILIAL ADENOMATOUS POLYPOSIS 1, ATTENUATED. Identifiers: MedGen C2713442, MONDO:0021056, OMIM 175100. Disease mechanism: loss of function.

Submissions (4):

Color Diagnostics, LLC DBA Color Health
Classification: Uncertain significance for Hereditary cancer-predisposing syndrome. Last evaluated: 2025-08-04. Review status: criteria provided, single submitter. Criteria: ACMG Guidelines, 2015. Collection method: clinical testing. Allele origin: germline.
Comment: This missense variant replaces lysine with threonine at codon 2052 of the APC protein. Computational prediction suggests that this variant may not impact protein structure and function. To our knowledge, functional studies have not been reported for this variant. This variant has not been reported in individuals affected with APC-related disorders in the literature. This variant has not been identified in the general population by the Genome Aggregation Database (gnomAD). The available evidence is insufficient to determine the role of this variant in disease conclusively. Therefore, this variant is classified as a Variant of Uncertain Significance.

Labcorp Genetics (formerly Invitae), Labcorp
Classification: Uncertain significance for Familial adenomatous polyposis 1. Last evaluated: 2025-01-07. Review status: criteria provided, single submitter. Criteria: Invitae Variant Classification Sherloc (09022015). Collection method: clinical testing. Allele origin: germline.
Comment: This sequence change replaces lysine, which is basic and polar, with threonine, which is neutral and polar, at codon 2052 of the APC protein (p.Lys2052Thr). This variant is not present in population databases (gnomAD no frequency). This variant has not been reported in the literature in individuals affected with APC-related conditions. ClinVar contains an entry for this variant (Variation ID: 826212). Invitae Evidence Modeling of protein sequence and biophysical properties (such as structural, functional, and spatial information, amino acid conservation, physicochemical variation, residue mobility, and thermodynamic stability) indicates that this missense variant is not expected to disrupt APC protein function with a negative predictive value of 95%. In summary, the available evidence is currently insufficient to determine the role of this variant in disease. Therefore, it has been classified as a Variant of Uncertain Significance.

Quest Diagnostics Nichols Institute San Juan Capistrano
Classification: Uncertain significance. Last evaluated: 2024-03-12. Review status: criteria provided, single submitter. Criteria: Quest Diagnostics criteria. Collection method: clinical testing. Allele origin: unknown.
Comment: The APC c.6155A>C (p.Lys2052Thr) variant has not been reported in individuals with APC-related conditions in the published literature. It also has not been reported in large, multi-ethnic general populations (Genome Aggregation Database). Analysis of this variant using bioinformatics tools for the prediction of the effect of amino acid changes on protein structure and function yielded conflicting predictions that this variant is benign or damaging. Based on the available information, we are unable to determine the clinical significance of this variant.

Ambry Genetics
Classification: Uncertain significance for Hereditary cancer-predisposing syndrome. Last evaluated: 2023-10-31. Review status: criteria provided, single submitter. Criteria: Ambry Variant Classification Scheme 2023. Collection method: clinical testing. Allele origin: germline.
Comment: The p.K2052T variant (also known as c.6155A>C), located in coding exon 15 of the APC gene, results from an A to C substitution at nucleotide position 6155. The lysine at codon 2052 is replaced by threonine, an amino acid with similar properties. This amino acid position is not well conserved in available vertebrate species. In addition, in silico predictors for this gene do not accurately predict pathogenicity. Since supporting evidence is limited at this time, the clinical significance of this alteration remains unclear.

NM_000038.6(APC):c.6155A>C (p.Lys2052Thr)

Gene: APC (APC regulator of Wnt signaling pathway; plus strand). Cytogenetic location: 5q22.2.
Variant type: single nucleotide variant.
Coding change: c.6155A>C on transcript NM_000038.6 (MANE Select); coding-DNA position 6155, A replaced by C.
Protein change: p.Lys2052Thr; replaces lysine 2052 with threonine.
Molecular consequence: missense variant.
Genome position (GRCh38, 1-based): chr5:112,841,749, A>C. VCF-style: chr5-112841749-A-C. GRCh37 (hg19) VCF-style: chr5-112177446-A-C.
Other names: c.6155A>C, p.Lys2052Thr (NM_001127510.3, NM_001354895.2); c.6101A>C, p.Lys2034Thr (NM_001127511.3); c.6209A>C, p.Lys2070Thr (NM_001354896.2); c.6185A>C, p.Lys2062Thr (NM_001354897.2); c.6080A>C, p.Lys2027Thr (NM_001354898.2); c.6071A>C, p.Lys2024Thr (NM_001354899.2); c.6032A>C, p.Lys2011Thr (NM_001354900.2); c.5978A>C, p.Lys1993Thr (NM_001354901.2); and 5 more; short protein forms K1769T, K1951T, K2062T, K1993T, K2011T, K2024T, K2052T, K1892T.
Identifiers: ClinVar variation 826212 (VCV000826212.14), dbSNP rs1580668250, ClinGen allele CA16034809.